The following is an entry in ClinVar:

NM_004859.4(CLTC):c.88C>T (p.Leu30=)

Gene: CLTC (clathrin heavy chain; plus strand). Cytogenetic location: 17q23.1.
Variant type: single nucleotide variant.
Coding change: c.88C>T on transcript NM_004859.4 (MANE Select); coding-DNA position 88, C replaced by T.
Protein change: p.Leu30=; no amino-acid change (leucine 30 retained).
Molecular consequence: synonymous variant.
Genome position (GRCh38, 1-based): chr17:59,644,321, C>T. VCF-style: chr17-59644321-C-T. GRCh37 (hg19) VCF-style: chr17-57721682-C-T.
Other names: c.88C>T, p.Leu30= (NM_001288653.2).
Identifiers: ClinVar variation 2060831 (VCV002060831.26), dbSNP rs982256653, ClinGen allele CA292132823.

ClinVar aggregate classification (germline): Conflicting classifications of pathogenicity. Review status: criteria provided, conflicting classifications (1 of 4 stars). 2 submissions from 2 submitters: Uncertain significance (1); Likely benign (1). Last evaluated 2024-02-01.

Allele frequency attached by ClinVar (database versions not stated): gnomAD 0.00001; TOPMed 0.00001; gnomAD exomes 0.00002.
gnomAD v4.1: 38 of 1,613,958 alleles (0.0024%); highest among the groups gnomAD compares: Middle Eastern, 0.016%; no homozygotes.

Submissions (2):

CeGaT Center for Human Genetics Tuebingen
Classification: Uncertain significance. Last evaluated: 2024-02-01. Review status: criteria provided, single submitter. Criteria: CeGaT Center For Human Genetics Tuebingen Variant Classification Criteria Version 2. Collection method: clinical testing. Allele origin: germline. Affected: yes. Observed: 1 variant allele.
Comment: CLTC: PM2:Supporting, BP4

Labcorp Genetics (formerly Invitae), Labcorp
Classification: Likely benign. Last evaluated: 2022-01-17. Review status: criteria provided, single submitter. Criteria: Invitae Variant Classification Sherloc (09022015). Collection method: clinical testing. Allele origin: germline.